The following is an entry in ClinVar:

ClinVar aggregate classification (germline): Likely benign. Review status: criteria provided, multiple submitters, no conflicts (2 of 4 stars). 2 submissions from 2 submitters: Likely benign (2). Last evaluated 2025-10-01.

Allele frequency attached by ClinVar (database versions not stated): gnomAD 0.00002; TOPMed 0.00003; gnomAD exomes 0.00005; ExAC 0.00006.
gnomAD v4.1: 58 of 1,208,935 alleles (0.0048%); highest among the groups gnomAD compares: Middle Eastern, 0.023%; no homozygotes.

Submissions (2):

CeGaT Center for Human Genetics Tuebingen
Classification: Likely benign. Last evaluated: 2025-10-01. Review status: criteria provided, single submitter. Criteria: CeGaT Center For Human Genetics Tuebingen Variant Classification Criteria Version 2. Collection method: clinical testing. Allele origin: germline. Affected: yes. Observed: 1 variant allele.
Comment: WNK3: BP4, BS2

Ambry Genetics
Classification: Likely benign. Last evaluated: 2021-11-05. Review status: criteria provided, single submitter. Criteria: Ambry Variant Classification Scheme 2023. Collection method: clinical testing. Allele origin: germline.

NM_020922.5(WNK3):c.197C>T (p.Thr66Met)

Gene: WNK3 (WNK lysine deficient protein kinase 3; minus strand). Cytogenetic location: Xp11.22.
Variant type: single nucleotide variant.
Coding change: c.197C>T on transcript NM_020922.5 (MANE Select); coding-DNA position 197, C replaced by T.
Protein change: p.Thr66Met; replaces threonine 66 with methionine.
Molecular consequence: missense variant.
Genome position (GRCh38, 1-based): chrX:54,333,477, G>A on the plus strand (C>T on the coding strand, the complement: WNK3 is on the minus strand). VCF-style: chrX-54333477-G-A. GRCh37 (hg19) VCF-style: chrX-54359910-G-A.
Other names: c.197C>T, p.Thr66Met (NM_001002838.4, NM_001395166.1); short protein forms T66M.
Identifiers: ClinVar variation 2341531 (VCV002341531.8), dbSNP rs782042256, ClinGen allele CA10424742.
Genomic context (GRCh38, chrX:54,333,477, plus strand): 5'-TTCATTGCAGCCTTAATTCTCTCATCTTTGGGGGATGATTCGGCAACTTTGTCATCTTCC[G>A]TCATTTCAACACTCTTTCGGAAAAATCTCTTCCTTTCTACAGTTTCCCCAGAAGCAGAGA-3'
Protein context (NP_065973.2, residues 56-76): KRFFRKSVEM[Thr66Met]EDDKVAESSP